The following is an entry in ClinVar:

NM_001394062.1(MACF1):c.20593C>T (p.Leu6865Phe)

Gene: MACF1 (microtubule actin crosslinking factor 1; plus strand). Cytogenetic location: 1p34.3.
Variant type: single nucleotide variant.
Coding change: c.20593C>T on transcript NM_001394062.1 (MANE Select); coding-DNA position 20593, C replaced by T.
Protein change: p.Leu6865Phe; replaces leucine 6865 with phenylalanine.
Molecular consequence: missense variant.
Genome position (GRCh38, 1-based): chr1:39,452,330, C>T. VCF-style: chr1-39452330-C-T. GRCh37 (hg19) VCF-style: chr1-39918002-C-T.
Other names: c.14416C>T, p.Leu4806Phe (NM_012090.5); short protein forms L4806F, L6865F.
Identifiers: ClinVar variation 1333962 (VCV001333962.2), dbSNP rs2148680751, ClinGen allele CA339826066.

ClinVar aggregate classification (germline): Uncertain significance. Review status: criteria provided, multiple submitters, no conflicts (2 of 4 stars). 2 submissions from 2 submitters: Uncertain significance (2). Last evaluated 2024-11-15.

Conditions:
Lissencephaly 9 with complex brainstem malformation. Identifiers: Orphanet 572013, MedGen C5193029, MONDO:0032677, OMIM 618325.

gnomAD v4.1: 13 of 1,613,988 alleles (0.00081%); highest among the groups gnomAD compares: Non-Finnish European, 0.0011%; no homozygotes.

Submissions (2):

GeneDx
Classification: Uncertain significance. Last evaluated: 2024-11-15. Review status: criteria provided, single submitter. Criteria: GeneDx Variant Classification Process June 2021. Collection method: clinical testing. Allele origin: germline. Affected: yes.
Comment: Not observed at significant frequency in large population cohorts (gnomAD); In silico analysis supports that this missense variant has a deleterious effect on protein structure/function; Has not been previously published as pathogenic or benign to our knowledge

CENTOGENE GmbH and LLC - Guiding Precision Medicine
Classification: Uncertain significance for Lissencephaly 9 with complex brainstem malformation. Last evaluated: 2020-04-24. Review status: criteria provided, single submitter. Criteria: ACMG Guidelines, 2015. Collection method: clinical testing. Allele origin: germline.